The following is an entry in ClinVar:

NM_182961.4(SYNE1):c.26094+163C>T

Gene: SYNE1 (spectrin repeat containing nuclear envelope protein 1; minus strand). Cytogenetic location: 6q25.2.
Variant type: single nucleotide variant.
Coding change: c.26094+163C>T on transcript NM_182961.4 (MANE Select); 163 bases into the intron after coding-DNA position 26094, C replaced by T.
Molecular consequence: intron variant.
Genome position (GRCh38, 1-based): chr6:152,131,959, G>A on the plus strand (C>T on the coding strand, the complement: SYNE1 is on the minus strand). VCF-style: chr6-152131959-G-A. GRCh37 (hg19) VCF-style: chr6-152453094-G-A.
Other names: c.25950+163C>T (NM_033071.5); c.2700+163C>T (NM_001347701.2); c.2628+163C>T (NM_001347702.2).
Identifiers: ClinVar variation 670223 (VCV000670223.1), dbSNP rs2295193, ClinGen allele CA12282152.

ClinVar aggregate classification (germline): Benign (1 of 4 stars; one submission).

Allele frequency attached by ClinVar (database versions not stated): gnomAD 0.60731 and 0.61173; TOPMed 0.62117; 1000 Genomes Project 30x 0.69019; 1000 Genomes Project 0.69089.
gnomAD v4.1: 92,878 of 151,972 alleles (61%); highest among the groups gnomAD compares: East Asian, 74%; 28,917 homozygotes.

Submission:

GeneDx
Classification: Benign. Last evaluated: 2018-06-14. Review status: criteria provided, single submitter. Criteria: GeneDx Variant Classification (06012015). Collection method: clinical testing. Allele origin: germline. Affected: yes.
Comment: This variant is considered likely benign or benign based on one or more of the following criteria: it is a conservative change, it occurs at a poorly conserved position in the protein, it is predicted to be benign by multiple in silico algorithms, and/or has population frequency not consistent with disease.